The following is an entry in ClinVar:

ClinVar aggregate classification (germline): Conflicting classifications of pathogenicity. Review status: criteria provided, conflicting classifications (1 of 4 stars). 4 submissions from 4 submitters: Uncertain significance (1); Likely benign (3). Last evaluated 2025-05-15.

Conditions:
Inborn genetic diseases. Identifiers: MedGen C0950123, MeSH D030342.
Myoclonic dystonia 11 (DYT11). Also called: Myoclonic dystonia; Dystonia 11; Dystonia, alcohol responsive; Hereditary essential myoclonus; SGCE Myoclonus-Dystonia; Myoclonus-Dystonia. Identifiers: Orphanet 36899, MedGen C1834570, MONDO:0008044, OMIM 159900.

Allele frequency attached by ClinVar (database versions not stated): TOPMed 0.00005; ExAC 0.00006; gnomAD 0.00006; gnomAD exomes 0.00006 and 0.00009; ESP Exome Variant Server 0.00008.
gnomAD v4.1: 102 of 1,612,592 alleles (0.0063%); highest among the groups gnomAD compares: Middle Eastern, 0.099%; 2 homozygotes.

Submissions (4):

Labcorp Genetics (formerly Invitae), Labcorp
Classification: Likely benign for Myoclonic dystonia 11. Last evaluated: 2025-05-15. Review status: criteria provided, single submitter. Criteria: Invitae Variant Classification Sherloc (09022015). Collection method: clinical testing. Allele origin: germline.

Ambry Genetics
Classification: Uncertain significance for Inborn genetic diseases. Last evaluated: 2024-12-24. Review status: criteria provided, single submitter. Criteria: Ambry Variant Classification Scheme 2023. Collection method: clinical testing. Allele origin: germline.

GeneDx
Classification: Likely benign. Last evaluated: 2021-01-12. Review status: criteria provided, single submitter. Criteria: GeneDx Variant Classification Process June 2021. Collection method: clinical testing. Allele origin: germline. Affected: yes.

Illumina Laboratory Services, Illumina
Classification: Likely benign for Myoclonic dystonia 11. Last evaluated: 2018-01-12. Review status: criteria provided, single submitter. Criteria: ICSL Variant Classification Criteria 13 December 2019. Collection method: clinical testing. Allele origin: germline.
Comment: This variant was observed in the ICSL laboratory as part of a predisposition screen in an ostensibly healthy population. It had not been previously curated by ICSL or reported in the Human Gene Mutation Database (HGMD: prior to June 1st, 2018), and was therefore a candidate for classification through an automated scoring system. Utilizing variant allele frequency, disease prevalence and penetrance estimates, and inheritance mode, an automated score was calculated to assess if this variant is too frequent to cause the disease. Based on the score and internal cut-off values, a variant classified as likely benign is not then subjected to further curation. The score for this variant resulted in a classification of likely benign for this disease.

NM_003919.3(SGCE):c.1165G>C (p.Val389Leu)

Genes: CASD1 (CAS1 domain sialic acid O acetyltransferase 1; plus strand), SGCE (sarcoglycan epsilon; minus strand). Cytogenetic location: 7q21.3.
Variant type: single nucleotide variant.
Coding change: c.1165G>C on transcript NM_003919.3 (MANE Select); coding-DNA position 1165, G replaced by C.
Protein change: p.Val389Leu; replaces valine 389 with leucine.
Molecular consequence: missense variant.
Genome position (GRCh38, 1-based): chr7:94,598,863, C>G on the plus strand (G>C on the coding strand, the complement: SGCE is on the minus strand). VCF-style: chr7-94598863-C-G. GRCh37 (hg19) VCF-style: chr7-94228175-C-G.
Other names: c.1138G>C, p.Val380Leu (NM_001099400.2, NM_001346717.2); c.1165G>C, p.Val389Leu (NM_001099401.2); c.1042G>C, p.Val348Leu (NM_001301139.2); c.1273G>C, p.Val425Leu (NM_001346713.2); c.1246G>C, p.Val416Leu (NM_001346715.2); c.1078G>C, p.Val360Leu (NM_001346719.2); c.892G>C, p.Val298Leu (NM_001346720.2); c.1051G>C, p.Val351Leu (NM_001362807.2); and 2 more; short protein forms V298L, V348L, V351L, V389L, V339L, V360L, V289L, V416L.
Identifiers: ClinVar variation 696425 (VCV000696425.18), dbSNP rs374697567, ClinGen allele CA4348613.